The following is an entry in ClinVar:

NM_004204.5(PIGQ):c.1547G>A (p.Arg516His)

Gene: PIGQ (phosphatidylinositol glycan anchor biosynthesis class Q; plus strand). Cytogenetic location: 16p13.3.
Variant type: single nucleotide variant.
Coding change: c.1547G>A on transcript NM_004204.5 (MANE Select); coding-DNA position 1547, G replaced by A.
Protein change: p.Arg516His; replaces arginine 516 with histidine.
Molecular consequence: missense variant. On other transcripts: intron variant (1).
Genome position (GRCh38, 1-based): chr16:582,263, G>A. VCF-style: chr16-582263-G-A. GRCh37 (hg19) VCF-style: chr16-632263-G-A.
Other names: c.1532-620G>A (NM_148920.4); short protein forms R516H.
Identifiers: ClinVar variation 1037103 (VCV001037103.6), dbSNP rs376467540, ClinGen allele CA7780435.

ClinVar aggregate classification (germline): Uncertain significance. Review status: criteria provided, multiple submitters, no conflicts (2 of 4 stars). 2 submissions from 2 submitters: Uncertain significance (2). Last evaluated 2022-09-07.

Conditions:
Epilepsy. Also called: Seizure disorder. Identifiers: MedGen C0014544, MeSH D004827, MONDO:0005027.

Allele frequency attached by ClinVar (database versions not stated): gnomAD 0.00004 and 0.00003; gnomAD exomes 0.00004; TOPMed 0.00005; ESP Exome Variant Server 0.00008; ExAC 0.00001.
gnomAD v4.1: 117 of 1,606,810 alleles (0.0073%); highest among the groups gnomAD compares: East Asian, 0.043%; no homozygotes.

Submissions (2):

Labcorp Genetics (formerly Invitae), Labcorp
Classification: Uncertain significance for Epilepsy. Last evaluated: 2022-09-07. Review status: criteria provided, single submitter. Criteria: Invitae Variant Classification Sherloc (09022015). Collection method: clinical testing. Allele origin: germline.
Comment: This sequence change replaces arginine, which is basic and polar, with histidine, which is basic and polar, at codon 516 of the PIGQ protein (p.Arg516His). This variant is present in population databases (rs376467540, gnomAD 0.007%). This variant has not been reported in the literature in individuals affected with PIGQ-related conditions. ClinVar contains an entry for this variant (Variation ID: 1037103). Algorithms developed to predict the effect of missense changes on protein structure and function (SIFT, PolyPhen-2, Align-GVGD) all suggest that this variant is likely to be tolerated. In summary, the available evidence is currently insufficient to determine the role of this variant in disease. Therefore, it has been classified as a Variant of Uncertain Significance.

Breakthrough Genomics
Classification: Uncertain significance. Review status: criteria provided, single submitter. Criteria: ACMG Guidelines, 2015. Collection method: not provided. Allele origin: germline. Inheritance: Autosomal recessive inheritance. Affected: yes.